The following is an entry in ClinVar:

NM_000821.7(GGCX):c.*3752G>A

Gene: GGCX (gamma-glutamyl carboxylase; minus strand). Cytogenetic location: 2p11.2.
Variant type: single nucleotide variant.
Coding change: c.*3752G>A on transcript NM_000821.7 (MANE Select); 3752 bases downstream of the stop codon, G replaced by A.
Molecular consequence: 3 prime UTR variant.
Genome position (GRCh38, 1-based): chr2:85,546,182, C>T on the plus strand (G>A on the coding strand, the complement: GGCX is on the minus strand). VCF-style: chr2-85546182-C-T. GRCh37 (hg19) VCF-style: chr2-85773305-C-T.
Other names: c.*3752G>A (NM_001142269.4).
Identifiers: ClinVar variation 337192 (VCV000337192.6), dbSNP rs72643495, ClinGen allele CA10616296.
Genomic context (GRCh38, chr2:85,546,182, plus strand): 5'-TGGAAATTTGGAGGCCAGGCGGAGTGGCCTGTAATATAGGCCACTATATAGTAATATAGG[C>T]GTGAGCCTATAATCCTAGCACTTTGGGAGGCCAAGGCATGCAGATCACGAGACCATCCTG-3'

ClinVar aggregate classification (germline): Benign. Review status: criteria provided, multiple submitters, no conflicts (2 of 4 stars). 2 submissions from 2 submitters: Benign (2). Last evaluated 2018-01-13.

Conditions:
Vitamin K-dependent clotting factors, combined deficiency of, type 1. Also called: FACTORS II, VII, IX, AND X, COMBINED DEFICIENCY OF; FAMILIAL MULTIPLE COAGULATION FACTOR DEFICIENCY III; FMFD III; GLUTAMIC ACID, DEFICIENT GAMMA-CARBOXYLATION OF; MULTIPLE COAGULATION FACTOR DEFICIENCY III; VITAMIN K-DEPENDENT COAGULATION DEFECT. Identifiers: Orphanet 98434, MedGen C1848534, MONDO:0010187, OMIM 277450.

Allele frequency attached by ClinVar (database versions not stated): gnomAD exomes 0.07143; gnomAD 0.12177 and 0.12184; TOPMed 0.12964; 1000 Genomes Project 0.17612.
gnomAD v4.1: 18,414 of 152,158 alleles (12%); highest among the groups gnomAD compares: East Asian, 31%; 1,783 homozygotes.

Submissions (2):

Illumina Laboratory Services, Illumina
Classification: Benign for Vitamin K-dependent clotting factors, combined deficiency of, type 1. Last evaluated: 2018-01-13. Review status: criteria provided, single submitter. Criteria: ICSL Variant Classification Criteria 13 December 2019. Collection method: clinical testing. Allele origin: germline.
Comment: This variant was observed in the ICSL laboratory as part of a predisposition screen in an ostensibly healthy population. It had not been previously curated by ICSL or reported in the Human Gene Mutation Database (HGMD: prior to June 1st, 2018), and was therefore a candidate for classification through an automated scoring system. Utilizing variant allele frequency, disease prevalence and penetrance estimates, and inheritance mode, an automated score was calculated to assess if this variant is too frequent to cause the disease. Based on the score and internal cut-off values, a variant classified as benign is not then subjected to further curation. The score for this variant resulted in a classification of benign for this disease.

Breakthrough Genomics
Classification: Benign. Review status: criteria provided, single submitter. Criteria: ACMG Guidelines, 2015. Collection method: not provided. Allele origin: germline. Inheritance: Autosomal recessive inheritance. Affected: yes.